The following is an entry in ClinVar:

ClinVar aggregate classification (germline): Uncertain significance. Review status: criteria provided, multiple submitters, no conflicts (2 of 4 stars). 2 submissions from 2 submitters: Uncertain significance (2). Last evaluated 2024-10-23.

Conditions:
Frontotemporal dementia and/or amyotrophic lateral sclerosis 6 (FTDALS6). Also called: VCP-Related Amyotrophic Lateral Sclerosis; VCP-Related Amyotrophic Lateral Sclerosis/Frontotemporal Dementia. Identifiers: Orphanet 275872, Orphanet 803, MedGen C5436279, MONDO:0013501, OMIM 613954.
Inclusion body myopathy with Paget disease of bone and frontotemporal dementia. Also called: Inclusion body myopathy with early-onset Paget disease and frontotemporal dementia. Identifiers: Orphanet 52430, MedGen C1833662, MONDO:0000507.

Allele frequency attached by ClinVar (database versions not stated): TOPMed below 0.00001; ExAC 0.00001; gnomAD 0.00001; gnomAD exomes 0.00001.
gnomAD v4.1: 12 of 1,614,094 alleles (0.00074%); highest among the groups gnomAD compares: Admixed American, 0.0033%; no homozygotes.

Submissions (2):

Labcorp Genetics (formerly Invitae), Labcorp
Classification: Uncertain significance for Inclusion body myopathy with Paget disease of bone and frontotemporal dementia; Frontotemporal dementia and/or amyotrophic lateral sclerosis 6. Last evaluated: 2024-10-23. Review status: criteria provided, single submitter. Criteria: Invitae Variant Classification Sherloc (09022015). Collection method: clinical testing. Allele origin: germline.
Comment: This sequence change replaces isoleucine, which is neutral and non-polar, with valine, which is neutral and non-polar, at codon 189 of the VCP protein (p.Ile189Val). This variant is present in population databases (rs747754993, gnomAD 0.004%). This variant has not been reported in the literature in individuals affected with VCP-related conditions. ClinVar contains an entry for this variant (Variation ID: 2168433). Invitae Evidence Modeling of protein sequence and biophysical properties (such as structural, functional, and spatial information, amino acid conservation, physicochemical variation, residue mobility, and thermodynamic stability) indicates that this missense variant is not expected to disrupt VCP protein function with a negative predictive value of 80%. In summary, the available evidence is currently insufficient to determine the role of this variant in disease. Therefore, it has been classified as a Variant of Uncertain Significance.

Clinical Genetics Laboratory, Skane University Hospital Lund
Classification: Uncertain significance. Last evaluated: 2023-01-30. Review status: criteria provided, single submitter. Criteria: ACMG Guidelines, 2015. Collection method: clinical testing. Allele origin: germline. Affected: yes.

NM_007126.5(VCP):c.565A>G (p.Ile189Val)

Gene: VCP (valosin containing protein; minus strand). Cytogenetic location: 9p13.3.
Variant type: single nucleotide variant.
Coding change: c.565A>G on transcript NM_007126.5 (MANE Select); coding-DNA position 565, A replaced by G.
Protein change: p.Ile189Val; replaces isoleucine 189 with valine.
Molecular consequence: missense variant.
Genome position (GRCh38, 1-based): chr9:35,065,262, T>C on the plus strand (A>G on the coding strand, the complement: VCP is on the minus strand). VCF-style: chr9-35065262-T-C. GRCh37 (hg19) VCF-style: chr9-35065259-T-C.
Other names: c.430A>G, p.Ile144Val (NM_001354927.2, NM_001354928.2); short protein forms I144V, I189V.
Identifiers: ClinVar variation 2168433 (VCV002168433.5), dbSNP rs747754993, ClinGen allele CA5039446.